The following is an entry in ClinVar:

NM_002769.5(PRSS1):c.452G>A (p.Gly151Asp)

Genes: PRSS1 (serine protease 1; plus strand), TRB (T cell receptor beta locus; plus strand). Cytogenetic location: 7q34.
Variant type: single nucleotide variant.
Coding change: c.452G>A on transcript NM_002769.5 (MANE Select); coding-DNA position 452, G replaced by A.
Protein change: p.Gly151Asp; replaces glycine 151 with aspartic acid.
Molecular consequence: missense variant. On other transcripts: non-coding transcript variant (5).
Genome position (GRCh38, 1-based): chr7:142,752,025, G>A. VCF-style: chr7-142752025-G-A. GRCh37 (hg19) VCF-style: chr7-142459876-G-A.
Other names: short protein forms G151D.
Identifiers: ClinVar variation 1741267 (VCV001741267.3), dbSNP rs1563261623, ClinGen allele CA369609267.
Genomic context (GRCh38, chr7:142,752,025, plus strand): 5'-CCCCTCCAGCCACTGGCACGAAGTGCCTCATCTCTGGCTGGGGCAACACTGCGAGCTCTG[G>A]CGGTGAGTGGGACCCTTAGTCCTTCTACTTCCCTCCATCCTCACAATTTCCAGAACAAAC-3'
Protein context (NP_002760.1, residues 141-161): ISGWGNTASS[Gly151Asp]ADYPDELQCL

ClinVar aggregate classification (germline): Uncertain significance (1 of 4 stars; one submission).

Conditions:
Hereditary pancreatitis (PCTT). Also called: Hereditary chronic pancreatitis; PRSS1-Related Hereditary Pancreatitis. Identifiers: Orphanet 676, MedGen C0238339, MONDO:0008185, OMIM 167800.

gnomAD v4.1: 4 of 1,614,130 alleles (0.00025%); highest among the groups gnomAD compares: Middle Eastern, 0.017%; no homozygotes.

Submission:

Ambry Genetics
Classification: Uncertain significance for Hereditary pancreatitis. Last evaluated: 2025-01-03. Review status: criteria provided, single submitter. Criteria: Ambry Variant Classification Scheme 2023. Collection method: clinical testing. Allele origin: germline.
Comment: The p.G151D variant (also known as c.452G>A), located in coding exon 3 of the PRSS1 gene, results from a G to A substitution at nucleotide position 452. The glycine at codon 151 is replaced by aspartic acid, an amino acid with similar properties. This amino acid position is conserved. In addition, the in silico prediction for this alteration is inconclusive. Since supporting evidence is limited at this time, the clinical significance of this alteration remains unclear.